The following is an entry in ClinVar:

NM_005045.4(RELN):c.2917A>G (p.Ser973Gly)

Gene: RELN (reelin; minus strand). Cytogenetic location: 7q22.1.
Variant type: single nucleotide variant.
Coding change: c.2917A>G on transcript NM_005045.4 (MANE Select); coding-DNA position 2917, A replaced by G.
Protein change: p.Ser973Gly; replaces serine 973 with glycine.
Molecular consequence: missense variant.
Genome position (GRCh38, 1-based): chr7:103,610,786, T>C on the plus strand (A>G on the coding strand, the complement: RELN is on the minus strand). VCF-style: chr7-103610786-T-C. GRCh37 (hg19) VCF-style: chr7-103251233-T-C.
Other names: c.2917A>G, p.Ser973Gly (NM_173054.3); c.2917A>G (NM_005045.3); short protein forms S973G.
Identifiers: ClinVar variation 1946280 (VCV001946280.6), dbSNP rs1292732442, ClinGen allele CA368765991.

ClinVar aggregate classification (germline): Uncertain significance. Review status: criteria provided, multiple submitters, no conflicts (2 of 4 stars). 2 submissions from 2 submitters: Uncertain significance (2). Last evaluated 2025-08-09.

Conditions:
Inborn genetic diseases. Identifiers: MedGen C0950123, MeSH D030342.
Norman-Roberts syndrome (LIS2). Also called: Lissencephaly 2 (Norman-Roberts type). Identifiers: Orphanet 89844, MedGen C0796089, MONDO:0009760, OMIM 257320.
Familial temporal lobe epilepsy 7. Identifiers: Orphanet 101046, MedGen C4225327, MONDO:0014639, OMIM 616436.

Allele frequency attached by ClinVar (database versions not stated): gnomAD exomes below 0.00001; TOPMed 0.00002.
gnomAD v4.1: 3 of 1,608,266 alleles (0.00019%); highest among the groups gnomAD compares: Admixed American, 0.005%; no homozygotes.

Submissions (2):

Labcorp Genetics (formerly Invitae), Labcorp
Classification: Uncertain significance for Familial temporal lobe epilepsy 7; Norman-Roberts syndrome. Last evaluated: 2025-08-09. Review status: criteria provided, single submitter. Criteria: Invitae Variant Classification Sherloc (09022015). Collection method: clinical testing. Allele origin: germline.
Comment: This sequence change replaces serine, which is neutral and polar, with glycine, which is neutral and non-polar, at codon 973 of the RELN protein (p.Ser973Gly). This variant is present in population databases (no rsID available, gnomAD 0.006%). This variant has not been reported in the literature in individuals affected with RELN-related conditions. ClinVar contains an entry for this variant (Variation ID: 1946280). Invitae Evidence Modeling of protein sequence and biophysical properties (such as structural, functional, and spatial information, amino acid conservation, physicochemical variation, residue mobility, and thermodynamic stability) indicates that this missense variant is not expected to disrupt RELN protein function with a negative predictive value of 80%. Algorithms developed to predict the effect of sequence changes on RNA splicing suggest that this variant may disrupt the consensus splice site. In summary, the available evidence is currently insufficient to determine the role of this variant in disease. Therefore, it has been classified as a Variant of Uncertain Significance.

Ambry Genetics
Classification: Uncertain significance for Inborn genetic diseases. Last evaluated: 2024-06-10. Review status: criteria provided, single submitter. Criteria: Ambry Variant Classification Scheme 2023. Collection method: clinical testing. Allele origin: germline.